The following is an entry in ClinVar:

NM_001282663.2(MICAL2):c.3334+93G>T

Gene: MICAL2 (microtubule associated monooxygenase, calponin and LIM domain containing 2; plus strand). Cytogenetic location: 11p15.3.
Variant type: single nucleotide variant.
Coding change: c.3334+93G>T on transcript NM_001282663.2 (MANE Select); 93 bases into the intron after coding-DNA position 3334, G replaced by T.
Molecular consequence: intron variant. On other transcripts: missense variant (2).
Genome position (GRCh38, 1-based): chr11:12,259,990, G>T. VCF-style: chr11-12259990-G-T. GRCh37 (hg19) VCF-style: chr11-12281537-G-T.
Other names: c.3271+93G>T (NM_001346294.2, NM_001282664.1, NM_001346293.2 and 5 more transcripts); c.2764+93G>T (NM_001282665.1); c.2749G>T, p.Ala917Ser (NM_001282666.1); c.2686G>T, p.Ala896Ser (NM_001282667.1); c.3334+93G>T (NM_001393937.1, NM_014632.4, NM_001346292.2); short protein forms A896S, A917S.
Identifiers: ClinVar variation 2641611 (VCV002641611.24), dbSNP rs113124121, ClinGen allele CA5890179.
Genomic context (GRCh38, chr11:12,259,990, plus strand): 5'-GGCTGGCCCCTCAGGCTGCCGAGGGACCTGTGTAACTGGATGCAGGGACTCCTGCAAGCT[G>T]CTGGCCTCCATATCAGGGACAATGCTTACAACTACTGCTACATGTACGAGCTCCTGAGCC-3'

ClinVar aggregate classification (germline): Likely benign (1 of 4 stars; one submission).

Allele frequency attached by ClinVar (database versions not stated): 1000 Genomes Project 0.00120; 1000 Genomes Project 30x 0.00156; TOPMed 0.00447; gnomAD 0.00546; gnomAD exomes 0.00593; ExAC 0.00884.
gnomAD v4.1: 9,101 of 1,559,708 alleles (0.58%); highest among the groups gnomAD compares: Non-Finnish European, 0.68%; 44 homozygotes.

Submission:

CeGaT Center for Human Genetics Tuebingen
Classification: Likely benign. Last evaluated: 2023-02-01. Review status: criteria provided, single submitter. Criteria: CeGaT Center For Human Genetics Tuebingen Variant Classification Criteria Version 2. Collection method: clinical testing. Allele origin: germline. Affected: yes. Observed: 1 variant allele.
Comment: MICAL2: BS2